The following is an entry in ClinVar:

ClinVar aggregate classification (germline): Benign (0 of 4 stars; one submission).

Conditions:
NEO1-related disorder. Also called: NEO1-related condition.

Allele frequency attached by ClinVar (database versions not stated): ESP Exome Variant Server 0.00008; gnomAD exomes 0.00043; gnomAD 0.00061; TOPMed 0.00084; ExAC 0.00142; 1000 Genomes Project 30x 0.00265; 1000 Genomes Project 0.00319.
gnomAD v4.1: 788 of 1,613,412 alleles (0.049%); highest among the groups gnomAD compares: East Asian, 1.2%; 9 homozygotes.

Submission:

PreventionGenetics, part of Exact Sciences
Classification: Benign for NEO1-related condition. Last evaluated: 2019-06-18. Review status: no assertion criteria provided. Collection method: clinical testing. Allele origin: germline.
Comment: This variant is classified as benign based on ACMG/AMP sequence variant interpretation guidelines (Richards et al. 2015 PMID: 25741868, with internal and published modifications).

NM_002499.4(NEO1):c.1458T>C (p.Arg486=)

Gene: NEO1 (neogenin 1; plus strand). Cytogenetic location: 15q24.1.
Variant type: single nucleotide variant.
Coding change: c.1458T>C on transcript NM_002499.4 (MANE Select); coding-DNA position 1458, T replaced by C.
Protein change: p.Arg486=; no amino-acid change (arginine 486 retained).
Molecular consequence: synonymous variant.
Genome position (GRCh38, 1-based): chr15:73,244,350, T>C. VCF-style: chr15-73244350-T-C. GRCh37 (hg19) VCF-style: chr15-73536691-T-C.
Other names: c.1458T>C, p.Arg486= (NM_001172623.2, NM_001172624.2); c.1518T>C, p.Arg506= (NM_001419531.1).
Identifiers: ClinVar variation 3033946 (VCV003033946.2), dbSNP rs3743488, ClinGen allele CA7647911.